The following is an entry in ClinVar:

ClinVar aggregate classification (germline): Uncertain significance (1 of 4 stars; one submission).

gnomAD v4.1: 19 of 1,602,826 alleles (0.0012%); highest among the groups gnomAD compares: Non-Finnish European, 0.0015%; no homozygotes.

Submission:

Labcorp Genetics (formerly Invitae), Labcorp
Classification: Uncertain significance. Last evaluated: 2022-03-28. Review status: criteria provided, single submitter. Criteria: Invitae Variant Classification Sherloc (09022015). Collection method: clinical testing. Allele origin: germline.
Comment: This sequence change replaces isoleucine, which is neutral and non-polar, with threonine, which is neutral and polar, at codon 508 of the IFNAR1 protein (p.Ile508Thr). This variant is not present in population databases (gnomAD no frequency). This variant has not been reported in the literature in individuals affected with IFNAR1-related conditions. Algorithms developed to predict the effect of missense changes on protein structure and function output the following: SIFT: "Tolerated"; PolyPhen-2: "Benign"; Align-GVGD: "Class C0". The threonine amino acid residue is found in multiple mammalian species, which suggests that this missense change does not adversely affect protein function. In summary, the available evidence is currently insufficient to determine the role of this variant in disease. Therefore, it has been classified as a Variant of Uncertain Significance.

NM_000629.3(IFNAR1):c.1523T>C (p.Ile508Thr)

Gene: IFNAR1 (interferon alpha and beta receptor subunit 1; plus strand). Cytogenetic location: 21q22.11.
Variant type: single nucleotide variant.
Coding change: c.1523T>C on transcript NM_000629.3 (MANE Select); coding-DNA position 1523, T replaced by C.
Protein change: p.Ile508Thr; replaces isoleucine 508 with threonine.
Molecular consequence: missense variant. On other transcripts: 3 prime UTR variant (1).
Genome position (GRCh38, 1-based): chr21:33,355,398, T>C. VCF-style: chr21-33355398-T-C. GRCh37 (hg19) VCF-style: chr21-34727704-T-C.
Other names: c.1523T>C, p.Ile508Thr (NM_001384498.1); c.*72T>C (NM_001384499.1); c.761T>C, p.Ile254Thr (NM_001384500.1); c.1493T>C, p.Ile498Thr (NM_001384501.1); c.1061T>C, p.Ile354Thr (NM_001384502.1); c.1508T>C, p.Ile503Thr (NM_001384503.1); c.1316T>C, p.Ile439Thr (NM_001384504.1); short protein forms I254T, I439T, I498T, I503T, I508T, I354T.
Identifiers: ClinVar variation 2091360 (VCV002091360.1), dbSNP rs2516889474, ClinGen allele CA410110983.